The following is an entry in ClinVar:

ClinVar aggregate classification (germline): Conflicting classifications of pathogenicity. Review status: criteria provided, conflicting classifications (1 of 4 stars). 4 submissions from 4 submitters: Uncertain significance (1); Likely benign (3). Last evaluated 2025-07-25.

Conditions:
Cardiomyopathy (CMYO). Also called: Cardiomyopathies. Identifiers: Orphanet 167848, MedGen C0878544, MONDO:0004994, HP:0001638. Inheritance: Various modes of inheritance.
Hypertrophic cardiomyopathy. Also called: HYPERTROPHIC MYOCARDIOPATHY. Identifiers: Orphanet 217569, MedGen C0007194, MeSH D002312, MONDO:0005045, HP:0001639.

Allele frequency attached by ClinVar (database versions not stated): TOPMed below 0.00001.
gnomAD v4.1: 1 of 1,596,650 alleles (0.000063%); no homozygotes.

Submissions (4):

Color Diagnostics, LLC DBA Color Health
Classification: Uncertain significance for Cardiomyopathy. Last evaluated: 2025-07-25. Review status: criteria provided, single submitter. Criteria: ACMG Guidelines, 2015. Collection method: clinical testing. Allele origin: germline.
Comment: This variant is located in the MYBPC3 protein. To our knowledge, functional studies have not been reported for this variant. This variant has not been reported in individuals affected with MYBPC3-related disorders in the literature. This variant has not been identified in the general population by the Genome Aggregation Database (gnomAD). The available evidence is insufficient to determine the role of this variant in disease conclusively. Therefore, this variant is classified as a Variant of Uncertain Significance.

ARUP Laboratories, Molecular Genetics and Genomics, ARUP Laboratories
Classification: Likely benign. Last evaluated: 2025-03-27. Review status: criteria provided, single submitter. Criteria: ARUP Molecular Germline Variant Investigation Process 2024. Collection method: clinical testing. Allele origin: germline.

Blueprint Genetics
Classification: Likely benign. Last evaluated: 2024-08-28. Review status: criteria provided, single submitter. Criteria: ACMG Guidelines, 2015. Collection method: clinical testing. Allele origin: germline.

Labcorp Genetics (formerly Invitae), Labcorp
Classification: Likely benign for Hypertrophic cardiomyopathy. Last evaluated: 2024-04-08. Review status: criteria provided, single submitter. Criteria: Invitae Variant Classification Sherloc (09022015). Collection method: clinical testing. Allele origin: germline.

NM_000256.3(MYBPC3):c.921C>G (p.Thr307=)

Gene: MYBPC3 (myosin binding protein C3; minus strand). Cytogenetic location: 11p11.2.
Variant type: single nucleotide variant.
Coding change: c.921C>G on transcript NM_000256.3 (MANE Select); coding-DNA position 921, C replaced by G.
Protein change: p.Thr307=; no amino-acid change (threonine 307 retained).
Molecular consequence: synonymous variant.
Genome position (GRCh38, 1-based): chr11:47,346,632, G>C on the plus strand (C>G on the coding strand, the complement: MYBPC3 is on the minus strand). VCF-style: chr11-47346632-G-C. GRCh37 (hg19) VCF-style: chr11-47368183-G-C.
Identifiers: ClinVar variation 1131069 (VCV001131069.12), dbSNP rs370632180, ClinGen allele CA221701424.